The following is an entry in ClinVar:

ClinVar aggregate classification (germline): Benign/Likely benign. Review status: criteria provided, multiple submitters, no conflicts (2 of 4 stars). 6 submissions from 6 submitters: Benign (1); Likely benign (5). Last evaluated 2026-04-01.

Conditions:
Inborn genetic diseases. Identifiers: MedGen C0950123, MeSH D030342.

Submissions (6):

CeGaT Center for Human Genetics Tuebingen
Classification: Likely benign. Last evaluated: 2026-04-01. Review status: criteria provided, single submitter. Criteria: CeGaT Center For Human Genetics Tuebingen Variant Classification Criteria Version 2. Collection method: clinical testing. Allele origin: germline. Affected: yes. Observed: 5 variant alleles.
Comment: ARID1B: BS2

Labcorp Genetics (formerly Invitae), Labcorp
Classification: Likely benign. Last evaluated: 2025-09-20. Review status: criteria provided, single submitter. Criteria: Invitae Variant Classification Sherloc (09022015). Collection method: clinical testing. Allele origin: germline.

Blueprint Genetics
Classification: Likely benign. Last evaluated: 2023-08-11. Review status: criteria provided, single submitter. Criteria: ACMG Guidelines, 2015. Collection method: clinical testing. Allele origin: germline.

Ambry Genetics
Classification: Benign for Inborn genetic diseases. Last evaluated: 2022-03-15. Review status: criteria provided, single submitter. Criteria: Ambry Variant Classification Scheme 2023. Collection method: clinical testing. Allele origin: germline.

GeneDx
Classification: Likely benign. Last evaluated: 2020-07-17. Review status: criteria provided, single submitter. Criteria: GeneDx Variant Classification Process June 2021. Collection method: clinical testing. Allele origin: germline. Affected: yes.

Genetic Services Laboratory, University of Chicago
Classification: Likely benign. Last evaluated: 2016-05-26. Review status: criteria provided, single submitter. Criteria: ACMG Guidelines, 2015. Collection method: clinical testing. Allele origin: germline. Affected: no.

NM_001374828.1(ARID1B):c.1211GAG[5] (p.Gly409_Gly411del)

Gene: ARID1B (AT-rich interaction domain 1B; plus strand). Cytogenetic location: 6q25.3.
Variant type: Microsatellite.
Coding change: c.1211GAG[5] on transcript NM_001374828.1 (MANE Select); five copies in a row of the 3-base unit GAG starting at c.1211; the reference has eight copies in a row; three copies, 9 bases deleted.
Protein change: p.Gly409_Gly411del.
Molecular consequence: inframe deletion.
Genome position (GRCh38, 1-based): chr6:156,778,906-156,778,914, GAGGAGGAG deleted; deleting any 9 consecutive bases within chr6:156,778,890-156,778,914 gives the same sequence; the position shown is the placement nearest the transcript's 3' end. VCF-style (leftmost placement, unchanged base first): chr6-156778889-CGGAGGAGGA-C. GRCh37 (hg19) VCF-style: chr6-157100023-CGGAGGAGGA-C.
Other names: c.977_985del (NM_020732.3); c.977_985delGAGGAGGAG (NM_020732.3); c.1211GAG[5], p.Gly409_Gly411del (NM_001371656.1, NM_001374820.1, NM_017519.3).
Identifiers: ClinVar variation 434374 (VCV000434374.51), dbSNP rs747790383, ClinGen allele CA4066719.